The following is an entry in ClinVar:

ClinVar aggregate classification (germline): Uncertain significance (1 of 4 stars; one submission).

Conditions:
Growth hormone insensitivity with immune dysregulation 1, autosomal recessive. Also called: LARON SYNDROME DUE TO POSTRECEPTOR DEFECT; GROWTH HORMONE INSENSITIVITY DUE TO POSTRECEPTOR DEFECT; GROWTH HORMONE INSENSITIVITY SYNDROME WITH IMMUNE DYSREGULATION 1, AUTOSOMAL RECESSIVE; Laron syndrome with immunodeficiency. Identifiers: Orphanet 220465, MedGen C5435698, MONDO:0100211, OMIM 245590.

gnomAD v4.1: 1 of 1,613,790 alleles (0.000062%); highest among the groups gnomAD compares: East Asian, 0.0022%; no homozygotes.

Submission:

Labcorp Genetics (formerly Invitae), Labcorp
Classification: Uncertain significance for Growth hormone insensitivity with immune dysregulation 1, autosomal recessive. Last evaluated: 2025-03-12. Review status: criteria provided, single submitter. Criteria: Invitae Variant Classification Sherloc (09022015). Collection method: clinical testing. Allele origin: germline.
Comment: This sequence change replaces aspartic acid, which is acidic and polar, with glycine, which is neutral and non-polar, at codon 761 of the STAT5B protein (p.Asp761Gly). This variant is present in population databases (rs779876449, gnomAD 0.006%). This variant has not been reported in the literature in individuals affected with STAT5B-related conditions. An algorithm developed to predict the effect of missense changes on protein structure and function (PolyPhen-2) suggests that this variant is likely to be tolerated. In summary, the available evidence is currently insufficient to determine the role of this variant in disease. Therefore, it has been classified as a Variant of Uncertain Significance.

NM_012448.4(STAT5B):c.2282A>G (p.Asp761Gly)

Gene: STAT5B (signal transducer and activator of transcription 5B; minus strand). Cytogenetic location: 17q21.2.
Variant type: single nucleotide variant.
Coding change: c.2282A>G on transcript NM_012448.4 (MANE Select); coding-DNA position 2282, A replaced by G.
Protein change: p.Asp761Gly; replaces aspartic acid 761 with glycine.
Molecular consequence: missense variant.
Genome position (GRCh38, 1-based): chr17:42,201,820, T>C on the plus strand (A>G on the coding strand, the complement: STAT5B is on the minus strand). VCF-style: chr17-42201820-T-C. GRCh37 (hg19) VCF-style: chr17-40353838-T-C.
Other names: short protein forms D761G.
Identifiers: ClinVar variation 4714406 (VCV004714406.1).
Genomic context (GRCh38, chr17:42,201,820, plus strand): 5'-CACTGACTGTCCATTGGCCGGCCCAGGAGCTCCTCCACACGCCGCGCTACGTCCATTGTG[T>C]CCTCCAGATCGAAGTCCCCATCGGTGTCAAGGACTGAGTCAGGGCTTGGGAGGGAAAGAA-3'
Protein context (NP_036580.2, residues 751-771): LDTDGDFDLE[Asp761Gly]TMDVARRVEE